The following is an entry in ClinVar:

NM_025099.6(CTC1):c.2089G>A (p.Ala697Thr)

Gene: CTC1 (CST telomere replication complex component 1; minus strand). Cytogenetic location: 17p13.1.
Variant type: single nucleotide variant.
Coding change: c.2089G>A on transcript NM_025099.6 (MANE Select); coding-DNA position 2089, G replaced by A.
Protein change: p.Ala697Thr; replaces alanine 697 with threonine.
Molecular consequence: missense variant. On other transcripts: non-coding transcript variant (1).
Genome position (GRCh38, 1-based): chr17:8,232,199, C>T on the plus strand (G>A on the coding strand, the complement: CTC1 is on the minus strand). VCF-style: chr17-8232199-C-T. GRCh37 (hg19) VCF-style: chr17-8135517-C-T.
Other names: short protein forms A697T.
Identifiers: ClinVar variation 429541 (VCV000429541.10), dbSNP rs778524852, ClinGen allele CA8372164.

ClinVar aggregate classification (germline): Uncertain significance. Review status: criteria provided, multiple submitters, no conflicts (2 of 4 stars). 3 submissions from 3 submitters: Uncertain significance (3). Last evaluated 2025-03-16.

Conditions:
Dyskeratosis congenita. Identifiers: Orphanet 1775, MedGen C0265965, MONDO:0015780.

Allele frequency attached by ClinVar (database versions not stated): ExAC 0.00001; gnomAD exomes 0.00001; TOPMed 0.00001.
gnomAD v4.1: 13 of 1,527,604 alleles (0.00085%); highest among the groups gnomAD compares: Middle Eastern, 0.018%; no homozygotes.

Submissions (3):

Labcorp Genetics (formerly Invitae), Labcorp
Classification: Uncertain significance for Dyskeratosis congenita. Last evaluated: 2025-03-16. Review status: criteria provided, single submitter. Criteria: Invitae Variant Classification Sherloc (09022015). Collection method: clinical testing. Allele origin: germline.
Comment: This sequence change replaces alanine, which is neutral and non-polar, with threonine, which is neutral and polar, at codon 697 of the CTC1 protein (p.Ala697Thr). This variant is present in population databases (rs778524852, gnomAD 0.002%). This variant has not been reported in the literature in individuals affected with CTC1-related conditions. ClinVar contains an entry for this variant (Variation ID: 429541). Invitae Evidence Modeling of protein sequence and biophysical properties (such as structural, functional, and spatial information, amino acid conservation, physicochemical variation, residue mobility, and thermodynamic stability) indicates that this missense variant is expected to disrupt CTC1 protein function with a positive predictive value of 80%. In summary, the available evidence is currently insufficient to determine the role of this variant in disease. Therefore, it has been classified as a Variant of Uncertain Significance.

Blueprint Genetics
Classification: Uncertain significance. Last evaluated: 2022-09-19. Review status: criteria provided, single submitter. Criteria: ACMG Guidelines, 2015. Collection method: clinical testing. Allele origin: germline.

GeneDx
Classification: Uncertain significance. Last evaluated: 2017-05-12. Review status: criteria provided, single submitter. Criteria: GeneDx Variant Classification (06012015). Collection method: clinical testing. Allele origin: germline. Affected: yes.
Comment: The A697T variant in the CTC1 gene has not been reported previously as a pathogenic variant, nor as a benign variant, to our knowledge. The A697T variant is not observed at a significant frequency in large population cohorts (Lek et al., 2016; 1000 Genomes Consortium et al., 2015; Exome Variant Server). The A697T variant is a non-conservative amino acid substitution, which is likely to impact secondary protein structure as these residues differ in polarity, charge, size and/or other properties. However, this substitution occurs at a position that is not conserved. In silico analysis is inconsistent in its predictions as to whether or not the variant is damaging to the protein structure/function. We interpret A697T as a variant of uncertain significance.